The following is an entry in ClinVar:

NM_022042.4(SLC26A1):c.577-9C>T

Genes: IDUA (alpha-L-iduronidase; plus strand), SLC26A1 (solute carrier family 26 member 1; minus strand). Cytogenetic location: 4p16.3.
Variant type: single nucleotide variant.
Coding change: c.577-9C>T on transcript NM_022042.4 (MANE Select); 9 bases into the intron before coding-DNA position 577, C replaced by T.
Molecular consequence: intron variant.
Genome position (GRCh38, 1-based): chr4:990,371, G>A on the plus strand (C>T on the coding strand, the complement: SLC26A1 is on the minus strand). VCF-style: chr4-990371-G-A. GRCh37 (hg19) VCF-style: chr4-984159-G-A.
Other names: c.576+757C>T (NM_134425.4); c.577-9C>T (NM_213613.4, NM_022042.3); c.299+2422G>A (NM_000203.5).
Identifiers: ClinVar variation 3708713 (VCV003708713.3).

ClinVar aggregate classification (germline): Likely benign. Review status: criteria provided, multiple submitters, no conflicts (2 of 4 stars). 2 submissions from 2 submitters: Likely benign (2). Last evaluated 2024-11-24.

Conditions:
SLC26A1-related disorder. Also called: SLC26A1-related condition.

gnomAD v4.1: 108 of 1,585,428 alleles (0.0068%); highest among the groups gnomAD compares: East Asian, 0.08%; no homozygotes.

Submissions (2):

PreventionGenetics, part of Exact Sciences
Classification: Likely benign for SLC26A1-related condition. Last evaluated: 2024-11-24. Review status: criteria provided, single submitter. Criteria: ACMG Guidelines, 2015. Collection method: clinical testing. Allele origin: germline.
Comment: This variant is classified as likely benign based on ACMG/AMP sequence variant interpretation guidelines (Richards et al. 2015 PMID: 25741868, with internal and published modifications).

Labcorp Genetics (formerly Invitae), Labcorp
Classification: Likely benign. Last evaluated: 2024-11-22. Review status: criteria provided, single submitter. Criteria: Invitae Variant Classification Sherloc (09022015). Collection method: clinical testing. Allele origin: germline.